The following is an entry in ClinVar:

ClinVar aggregate classification (germline): Uncertain significance. Review status: criteria provided, multiple submitters, no conflicts (2 of 4 stars). 3 submissions from 3 submitters: Uncertain significance (3). Last evaluated 2026-01-22.

Conditions:
Pulmonary hypertension, primary, 4. Identifiers: Orphanet 422, MedGen C3809198, MONDO:0014136, OMIM 615344.

Allele frequency attached by ClinVar (database versions not stated): TOPMed 0.00004; gnomAD 0.00003 and 0.00005.
gnomAD v4.1: 15 of 1,562,590 alleles (0.00096%); highest among the groups gnomAD compares: African/African-American, 0.02%; no homozygotes.

Submissions (3):

Dasa
Classification: Uncertain significance. Last evaluated: 2026-01-22. Review status: criteria provided, single submitter. Criteria: DASA Assertion Criteria. Collection method: clinical testing. Allele origin: germline.
Comment: NM_002246.3(KCNK3):c.826G>A (p.Gly276Ser) is a missense variant that results in the substitution of glycine with serine. This variant is rare in population databases. Computational prediction algorithms are consistent with a benign effect. The currently available literature and clinical evidence are not sufficient to establish a definitive association between this variant and the reported condition. Therefore, this variant is classified as a variant of uncertain significance.

Labcorp Genetics (formerly Invitae), Labcorp
Classification: Uncertain significance for Pulmonary hypertension, primary, 4. Last evaluated: 2026-01-12. Review status: criteria provided, single submitter. Criteria: Invitae Variant Classification Sherloc (09022015). Collection method: clinical testing. Allele origin: germline.
Comment: This sequence change replaces glycine, which is neutral and non-polar, with serine, which is neutral and polar, at codon 276 of the KCNK3 protein (p.Gly276Ser). This variant is present in population databases (no rsID available, gnomAD 0.02%). This variant has not been reported in the literature in individuals affected with KCNK3-related conditions. ClinVar contains an entry for this variant (Variation ID: 1354423). Invitae Evidence Modeling of protein sequence and biophysical properties (such as structural, functional, and spatial information, amino acid conservation, physicochemical variation, residue mobility, and thermodynamic stability) indicates that this missense variant is not expected to disrupt KCNK3 protein function with a negative predictive value of 80%. In summary, the available evidence is currently insufficient to determine the role of this variant in disease. Therefore, it has been classified as a Variant of Uncertain Significance.

Fulgent Genetics
Classification: Uncertain significance for Pulmonary hypertension, primary, 4. Last evaluated: 2022-04-08. Review status: criteria provided, single submitter. Criteria: ACMG Guidelines, 2015. Collection method: clinical testing. Allele origin: unknown.

NM_002246.3(KCNK3):c.826G>A (p.Gly276Ser)

Gene: KCNK3 (potassium two pore domain channel subfamily K member 3; plus strand). Cytogenetic location: 2p23.3.
Variant type: single nucleotide variant.
Coding change: c.826G>A on transcript NM_002246.3 (MANE Select); coding-DNA position 826, G replaced by A.
Protein change: p.Gly276Ser; replaces glycine 276 with serine.
Molecular consequence: missense variant.
Genome position (GRCh38, 1-based): chr2:26,728,209, G>A. VCF-style: chr2-26728209-G-A. GRCh37 (hg19) VCF-style: chr2-26951077-G-A.
Other names: short protein forms G276S.
Identifiers: ClinVar variation 1354423 (VCV001354423.11), dbSNP rs986931065, ClinGen allele CA44398247.